The following is an entry in ClinVar:

ClinVar aggregate classification (germline): Benign. Review status: criteria provided, multiple submitters, no conflicts (2 of 4 stars). 9 submissions from 9 submitters: Benign (8). 1 of the submissions does not count toward it. Last evaluated 2026-02-01.

Conditions:
SOS2-related disorder. Also called: SOS2-related condition.
Noonan syndrome 9 (NS9). Identifiers: Orphanet 648, MedGen C4225282, MONDO:0014691, OMIM 616559.

Allele frequency attached by ClinVar (database versions not stated): 1000 Genomes Project 30x 0.00016; 1000 Genomes Project 0.00020; gnomAD 0.00098 and 0.00101; TOPMed 0.00106; ExAC 0.00109; gnomAD exomes 0.00114 and 0.00144; ESP Exome Variant Server 0.00154.
gnomAD v4.1: 2,258 of 1,613,180 alleles (0.14%); highest among the groups gnomAD compares: Middle Eastern, 0.21%; 5 homozygotes.

Submissions (9):

Labcorp Genetics (formerly Invitae), Labcorp
Classification: Benign for Noonan syndrome 9. Last evaluated: 2026-02-01. Review status: criteria provided, single submitter. Criteria: Invitae Variant Classification Sherloc (09022015). Collection method: clinical testing. Allele origin: germline.

CeGaT Center for Human Genetics Tuebingen
Classification: Benign. Last evaluated: 2026-01-01. Review status: criteria provided, single submitter. Criteria: CeGaT Center For Human Genetics Tuebingen Variant Classification Criteria Version 2. Collection method: clinical testing. Allele origin: germline. Affected: yes. Observed: 4 variant alleles.
Comment: SOS2: BS1, BS2

ARUP Laboratories, Molecular Genetics and Genomics, ARUP Laboratories
Classification: Benign for Noonan syndrome 9. Last evaluated: 2023-10-13. Review status: criteria provided, single submitter. Criteria: ARUP Molecular Germline Variant Investigation Process 2024. Collection method: clinical testing. Allele origin: germline.

Mayo Clinic Laboratories, Mayo Clinic
Classification: Benign. Last evaluated: 2023-03-23. Review status: criteria provided, single submitter. Criteria: ACMG Guidelines, 2015. Collection method: clinical testing. Allele origin: germline. Observed: 3 variant alleles.
Comment: BA1, BP4, BP7

Women's Health and Genetics/Laboratory Corporation of America, LabCorp
Classification: Benign. Last evaluated: 2017-04-12. Review status: criteria provided, single submitter. Criteria: LabCorp Variant Classification Summary - May 2015. Collection method: clinical testing. Allele origin: germline.
Comment: Variant summary: The SOS2 c.858+9A>G variant involves the alteration of a non-conserved intronic nucleotide. One in silico tool predicts a damaging outcome for this variant. 4/5 splice prediction tools predict no significant impact on normal splicing while ESE finder predicts loss of the SRp40 binding motif. However, these predictions have yet to be confirmed by functional studies. The variant of interest has been found in a large, broad control population, ExAC in 131/120310 control chromosomes (3 homozygotes) at a frequency of 0.0010889, which is approximately 436 times the estimated maximal expected allele frequency of a pathogenic SOS2 variant (0.0000025), suggesting this variant is likely a benign polymorphism. The variant of interest has not, to our knowledge, been reported in affected individuals via publications and/or reputable databases/clinical diagnostic laboratories; nor evaluated for functional impact by in vivo/vitro studies. Taken together, this variant is classified as benign.

GeneDx
Classification: Benign. Last evaluated: 2017-02-17. Review status: criteria provided, single submitter. Criteria: GeneDx Variant Classification (06012015). Collection method: clinical testing. Allele origin: germline. Affected: yes.
Comment: This variant is considered likely benign or benign based on one or more of the following criteria: it is a conservative change, it occurs at a poorly conserved position in the protein, it is predicted to be benign by multiple in silico algorithms, and/or has population frequency not consistent with disease.

Breakthrough Genomics
Classification: Benign. Review status: criteria provided, single submitter. Criteria: ACMG Guidelines, 2015. Collection method: not provided. Allele origin: germline. Inheritance: Autosomal dominant inheritance. Affected: yes.

Genome-Nilou Lab
Classification: Benign for Noonan syndrome 9. Review status: criteria provided, single submitter. Criteria: ACMG Guidelines, 2015. Collection method: clinical testing. Allele origin: germline.

PreventionGenetics, part of Exact Sciences
Classification: Benign for SOS2-related condition. Last evaluated: 2019-07-23. Review status: no assertion criteria provided. Collection method: clinical testing. Allele origin: germline. Not counted in ClinVar's aggregate classification.
Comment: This variant is classified as benign based on ACMG/AMP sequence variant interpretation guidelines (Richards et al. 2015 PMID: 25741868, with internal and published modifications).

NM_006939.4(SOS2):c.858+9A>G

Gene: SOS2 (SOS Ras/Rho guanine nucleotide exchange factor 2; minus strand). Cytogenetic location: 14q21.3.
Variant type: single nucleotide variant.
Coding change: c.858+9A>G on transcript NM_006939.4 (MANE Select); 9 bases into the intron after coding-DNA position 858, A replaced by G.
Molecular consequence: intron variant.
Genome position (GRCh38, 1-based): chr14:50,182,454, T>C on the plus strand (A>G on the coding strand, the complement: SOS2 is on the minus strand). VCF-style: chr14-50182454-T-C. GRCh37 (hg19) VCF-style: chr14-50649172-T-C.
Other names: p.?; c.858+9A>G (NM_006939.3).
Identifiers: ClinVar variation 475763 (VCV000475763.42), dbSNP rs201701595, ClinGen allele CA7177438.